The following is an entry in ClinVar:

NM_004360.5(CDH1):c.1153C>T (p.Pro385Ser)

Gene: CDH1 (cadherin 1; plus strand). Cytogenetic location: 16q22.1.
Variant type: single nucleotide variant.
Coding change: c.1153C>T on transcript NM_004360.5 (MANE Select); coding-DNA position 1153, C replaced by T.
Protein change: p.Pro385Ser; replaces proline 385 with serine.
Molecular consequence: missense variant. On other transcripts: 5 prime UTR variant (2), intron variant (1).
Genome position (GRCh38, 1-based): chr16:68,813,328, C>T. VCF-style: chr16-68813328-C-T. GRCh37 (hg19) VCF-style: chr16-68847231-C-T.
Other names: c.-463C>T (NM_001317185.2); c.-667C>T (NM_001317186.2); c.1137+1065C>T (NM_001317184.2); short protein forms P385S.
Identifiers: ClinVar variation 1734657 (VCV001734657.8), dbSNP rs587781612, ClinGen allele CA396461061.

ClinVar aggregate classification (germline): Conflicting classifications of pathogenicity. Review status: criteria provided, conflicting classifications (1 of 4 stars). 2 submissions from 2 submitters: Uncertain significance (1); Likely benign (1). Last evaluated 2026-06-11.

Conditions:
Hereditary cancer-predisposing syndrome. Also called: Neoplastic Syndromes, Hereditary; Tumor predisposition; Hereditary Cancer Syndrome; Hereditary neoplastic syndrome. Identifiers: Orphanet 140162, MedGen C0027672, MeSH D009386, MONDO:0015356.
Hereditary diffuse gastric adenocarcinoma (HDGC). Also called: DIFFUSE GASTRIC AND LOBULAR BREAST CANCER SYNDROME. Identifiers: Orphanet 26106, MedGen C1708349, MONDO:0007648, OMIM 137215.

Submissions (2):

Ambry Genetics
Classification: Likely benign for Hereditary cancer-predisposing syndrome. Last evaluated: 2026-06-11. Review status: criteria provided, single submitter. Criteria: Ambry Variant Classification Scheme 2023. Collection method: clinical testing. Allele origin: germline.

Labcorp Genetics (formerly Invitae), Labcorp
Classification: Uncertain significance for Hereditary diffuse gastric adenocarcinoma. Last evaluated: 2022-03-20. Review status: criteria provided, single submitter. Criteria: Invitae Variant Classification Sherloc (09022015). Collection method: clinical testing. Allele origin: germline.
Comment: In summary, the available evidence is currently insufficient to determine the role of this variant in disease. Therefore, it has been classified as a Variant of Uncertain Significance. This sequence change replaces proline, which is neutral and non-polar, with serine, which is neutral and polar, at codon 385 of the CDH1 protein (p.Pro385Ser). This variant is not present in population databases (gnomAD no frequency). This missense change has been observed in individual(s) with breast cancer (PMID: 30287823). Algorithms developed to predict the effect of missense changes on protein structure and function output the following: SIFT: "Tolerated"; PolyPhen-2: "Benign"; Align-GVGD: "Class C0". The serine amino acid residue is found in multiple mammalian species, which suggests that this missense change does not adversely affect protein function.

Literature cited by the submitters: PubMed 30287823 (cited by Ambry Genetics and Labcorp Genetics (formerly Invitae), Labcorp).